The following is an entry in ClinVar:

ClinVar aggregate classification (germline): Uncertain significance (1 of 4 stars; one submission).

Conditions:
SIM1-related disorder. Also called: SIM1-related disorders; SIM1-related condition.

gnomAD v4.1: 1 of 1,614,088 alleles (0.000062%); highest among the groups gnomAD compares: Non-Finnish European, 0.000085%; no homozygotes.

Submission:

PreventionGenetics, part of Exact Sciences
Classification: Uncertain significance for SIM1-related condition. Last evaluated: 2026-05-27. Review status: criteria provided, single submitter. Criteria: ACMG Guidelines, 2015. Collection method: clinical testing. Allele origin: germline.
Comment: The SIM1 c.1101C>A variant is predicted to result in the amino acid substitution p.Asn367Lys. To our knowledge, this variant has not been reported in the literature or in a large population database (gnomAD), indicating this variant is rare. At this time, the clinical significance of this variant is uncertain due to the absence of conclusive functional and genetic evidence.

NM_005068.3(SIM1):c.1101C>A (p.Asn367Lys)

Genes: SIM1 (SIM bHLH transcription factor 1; minus strand), SIM1-AS1 (SIM1 antisense RNA 1; plus strand). Cytogenetic location: 6q16.3.
Variant type: single nucleotide variant.
Coding change: c.1101C>A on transcript NM_005068.3 (MANE Select); coding-DNA position 1101, C replaced by A.
Protein change: p.Asn367Lys; replaces asparagine 367 with lysine.
Molecular consequence: missense variant.
Genome position (GRCh38, 1-based): chr6:100,420,856, G>T on the plus strand (C>A on the coding strand, the complement: SIM1 is on the minus strand). VCF-style: chr6-100420856-G-T. GRCh37 (hg19) VCF-style: chr6-100868732-G-T.
Other names: c.1101C>A, p.Asn367Lys (NM_001374769.1); short protein forms N367K.
Identifiers: ClinVar variation 4993043 (VCV004993043.1).
Genomic context (GRCh38, chr6:100,420,856, plus strand): 5'-GTATGGGGAAGTCCTGGATTTTGACTTTGAGCTGGAGAGCCGGGATTTGGCCCCCTTTCT[G>T]TTGTCAGTCATGGTGGGGGTGGAGCTGCTGGTATAGGAGAAGGCTGGTTTGGAGGCTGAG-3'
Protein context (NP_005059.2, residues 357-377): TSSSTPTMTD[Asn367Lys]RKGAKSRLSS